The following is an entry in ClinVar:

NM_015311.3(OBSL1):c.4951G>T (p.Glu1651Ter)

Gene: OBSL1 (obscurin like cytoskeletal adaptor 1; minus strand). Cytogenetic location: 2q35.
Variant type: single nucleotide variant.
Coding change: c.4951G>T on transcript NM_015311.3 (MANE Select); coding-DNA position 4951, G replaced by T.
Protein change: p.Glu1651Ter; replaces glutamic acid 1651 with a stop codon.
Molecular consequence: nonsense.
Genome position (GRCh38, 1-based): chr2:219,553,612, C>A on the plus strand (G>T on the coding strand, the complement: OBSL1 is on the minus strand). VCF-style: chr2-219553612-C-A. GRCh37 (hg19) VCF-style: chr2-220418334-C-A.
Other names: short protein forms E1651*.
Identifiers: ClinVar variation 729741 (VCV000729741.42), dbSNP rs140825693, ClinGen allele CA090936.

ClinVar aggregate classification (germline): Conflicting classifications of pathogenicity. Review status: criteria provided, conflicting classifications (1 of 4 stars). 6 submissions from 6 submitters: Uncertain significance (1); Benign (1); Likely benign (3). 1 of the submissions does not count toward it. Last evaluated 2026-08-22.

Allele frequency attached by ClinVar (database versions not stated): 1000 Genomes Project 30x 0.00016; 1000 Genomes Project 0.00020; ESP Exome Variant Server 0.00088; TOPMed 0.00119.
gnomAD v4.1: 2,867 of 1,613,858 alleles (0.18%); highest among the groups gnomAD compares: Non-Finnish European, 0.19%; 9 homozygotes.

Submissions (6):

GeneDx
Classification: Uncertain significance. Last evaluated: 2026-08-22. Review status: criteria provided, single submitter. Criteria: GeneDx Variant Classification Process June 2021. Collection method: clinical testing. Allele origin: germline.
Comment: Reported in a cohort of individuals with cardiovascular disease traits, but additional clinical information was not included (PMID: 31345219); Nonsense variant predicted to result in protein truncation or nonsense mediated decay in a gene for which loss of function is a known mechanism of disease; This variant is associated with the following publications: (PMID: 31345219, 41210864)

CeGaT Center for Human Genetics Tuebingen
Classification: Likely benign. Last evaluated: 2026-03-01. Review status: criteria provided, single submitter. Criteria: CeGaT Center For Human Genetics Tuebingen Variant Classification Criteria Version 2. Collection method: clinical testing. Allele origin: germline. Affected: yes. Observed: 3 variant alleles.
Comment: OBSL1: BS2

Labcorp Genetics (formerly Invitae), Labcorp
Classification: Likely benign. Last evaluated: 2026-02-04. Review status: criteria provided, single submitter. Criteria: Invitae Variant Classification Sherloc (09022015). Collection method: clinical testing. Allele origin: germline.

Blueprint Genetics
Classification: Benign. Last evaluated: 2024-11-20. Review status: criteria provided, single submitter. Criteria: ACMG Guidelines, 2015. Collection method: clinical testing. Allele origin: germline.

Women's Health and Genetics/Laboratory Corporation of America, LabCorp
Classification: Likely benign. Last evaluated: 2024-04-03. Review status: criteria provided, single submitter. Criteria: LabCorp Variant Classification Summary - May 2015. Collection method: clinical testing. Allele origin: germline.
Comment: Variant summary: OBSL1 c.4951G>T (p.Glu1651X) results in a premature termination codon, predicted to cause a truncation of the encoded protein or absence of the protein due to nonsense mediated decay, which are commonly known mechanisms for disease. However, the variant is located in an exon which is not expressed / expressed at a low level in several tissues (see e.g. PMID: 17289344 and the GTEx v7 dataset). The variant allele was found at a frequency of 0.0018 in 1606884 control chromosomes in the gnomAD database, including 9 homozygotes (gnomAD v4.0 dataset). The observed variant frequency is approximately 1.6-fold of the estimated maximal expected allele frequency for a pathogenic variant in OBSL1 causing Three M Syndrome 2 phenotype (0.0011), strongly suggesting that the variant is benign. To our knowledge, c.4951G>T has not been reported in the literature in individuals affected with Three M Syndrome 2 and no experimental evidence evaluating its impact on protein function has been reported. ClinVar contains an entry for this variant (Variation ID: 729741). Based on the evidence outlined above, the variant was classified as likely benign.

Department of Pathology and Laboratory Medicine, Sinai Health System
Classification: Uncertain significance. Review status: no assertion criteria provided. Collection method: clinical testing. Allele origin: unknown. Affected: yes. Study: The Canadian Open Genetics Repository (COGR). Not counted in ClinVar's aggregate classification.
Comment: The OBSL1 p.Glu1651* variant was not identified in the literature nor was it identified in LOVD 3.0. The variant was identified in dbSNP (ID: rs140825693) and ClinVar (classified as likely benign by Invitae). The variant was identified in control databases in 532 of 280304 chromosomes (1 homozygous) at a frequency of 0.001898 increasing the likelihood this could be a low frequency benign variant (Genome Aggregation Database March 6, 2019, v2.1.1). The variant was observed in the following populations: Ashkenazi Jewish in 66 of 10342 chromosomes (freq: 0.006382), European (Finnish) in 110 of 25006 chromosomes (freq: 0.004399), Other in 20 of 7132 chromosomes (freq: 0.002804), European (non-Finnish) in 316 of 128214 chromosomes (freq: 0.002465) and Latino in 20 of 35344 chromosomes (freq: 0.000566), but was not observed in the African, East Asian, or South Asian populations. The c.4951G>T variant leads to a premature stop codon at position 1651 which is predicted to lead to a truncated or absent protein and loss of function. Loss of function variants of the OBSL1 gene are an established mechanism of disease in Three M Syndrome. The variant occurs outside of the splicing consensus sequence and in silico or computational prediction software programs (SpliceSiteFinder, MaxEntScan, NNSPLICE, GeneSplicer) do not predict a difference in splicing. In summary, based on the above information the clinical significance of this variant cannot be determined with certainty at this time. This variant is classified as a variant of uncertain significance.

Literature cited by the submitters: PubMed 27181684 (cited by Women's Health and Genetics/Laboratory Corporation of America, LabCorp); PubMed 26627873 (cited by Women's Health and Genetics/Laboratory Corporation of America, LabCorp); PubMed 28529015 (cited by Women's Health and Genetics/Laboratory Corporation of America, LabCorp); PubMed 31345219 (cited by Women's Health and Genetics/Laboratory Corporation of America, LabCorp).